The following is an entry in ClinVar:

NM_001110556.2(FLNA):c.2022+12G>A

Gene: FLNA (filamin A; minus strand). Cytogenetic location: Xq28.
Variant type: single nucleotide variant.
Coding change: c.2022+12G>A on transcript NM_001110556.2 (MANE Select); 12 bases into the intron after coding-DNA position 2022, G replaced by A.
Molecular consequence: intron variant.
Genome position (GRCh38, 1-based): chrX:154,364,514, C>T on the plus strand (G>A on the coding strand, the complement: FLNA is on the minus strand). VCF-style: chrX-154364514-C-T. GRCh37 (hg19) VCF-style: chrX-153592882-C-T.
Other names: c.2022+12G>A (NM_001456.4).
Identifiers: ClinVar variation 377882 (VCV000377882.6), dbSNP rs201503149, ClinGen allele CA16609152.
Genomic context (GRCh38, chrX:154,364,514, plus strand): 5'-GAGTGCCATCCCCACCAGACCCCAAGCAGGAGCAGCAGGGCGAGACTTAGGCCATCACAG[C>T]CTGCTCTTTACCCTGTCTGGGTGGAAGTCCTGGGGCGCGTCACGGATGTCAGCCATGAAG-3'

ClinVar aggregate classification (germline): Likely benign. Review status: criteria provided, multiple submitters, no conflicts (2 of 4 stars). 2 submissions from 2 submitters: Likely benign (2). Last evaluated 2025-09-28.

Conditions:
Oto-palato-digital syndrome, type II (OPD2). Also called: FACIOPALATOOSSEOUS SYNDROME; OPD II SYNDROME; Otopalatodigital Syndrome Type 2 (FLNA-OPD2); Otopalatodigital Syndrome, Type II. Identifiers: Orphanet 669, Orphanet 90652, MedGen C1844696, MONDO:0010571, OMIM 304120.
Heterotopia, periventricular, X-linked dominant (PVNH1). Also called: PERIVENTRICULAR NODULAR HETEROTOPIA 1; X-linked periventricular heterotopia; PERIVENTRICULAR NODULAR HETEROTOPIA 4; HETEROTOPIA, PERIVENTRICULAR, 1. Identifiers: Orphanet 2149, Orphanet 82004, MedGen C1848213, MONDO:0010233, OMIM 300049.
Frontometaphyseal dysplasia (FMD1). Identifiers: Orphanet 1826, MedGen C0265293, MONDO:0015942.
Melnick-Needles syndrome (MNS). Also called: MELNICK-NEEDLES OSTEODYSPLASTY; OSTEODYSPLASTY OF MELNICK AND NEEDLES; Melnick-Needles Syndrome (FLNA-MNS). Identifiers: Orphanet 2484, MedGen C0025237, MONDO:0010650, OMIM 309350.

Allele frequency attached by ClinVar (database versions not stated): gnomAD exomes 0.00001.
gnomAD v4.1: 8 of 1,208,872 alleles (0.00066%); highest among the groups gnomAD compares: Non-Finnish European, 0.00089%; no homozygotes.

Submissions (2):

Labcorp Genetics (formerly Invitae), Labcorp
Classification: Likely benign for Oto-palato-digital syndrome, type II; Heterotopia, periventricular, X-linked dominant; Frontometaphyseal dysplasia; Melnick-Needles syndrome. Last evaluated: 2025-09-28. Review status: criteria provided, single submitter. Criteria: Invitae Variant Classification Sherloc (09022015). Collection method: clinical testing. Allele origin: germline.

GeneDx
Classification: Likely benign. Last evaluated: 2016-12-12. Review status: criteria provided, single submitter. Criteria: GeneDx Variant Classification (06012015). Collection method: clinical testing. Allele origin: germline. Affected: yes.
Comment: This variant is considered likely benign or benign based on one or more of the following criteria: it is a conservative change, it occurs at a poorly conserved position in the protein, it is predicted to be benign by multiple in silico algorithms, and/or has population frequency not consistent with disease.